The following is an entry in ClinVar:

ClinVar aggregate classification (germline): Conflicting classifications of pathogenicity. Review status: criteria provided, conflicting classifications (1 of 4 stars). 4 submissions from 4 submitters: Uncertain significance (3); Benign (1). Last evaluated 2025-11-21.

Conditions:
Lymphangiomyomatosis (LAM). Also called: Lymphangioleiomyomatosis; Lymphangioleiomyomatosis, somatic. Identifiers: Orphanet 538, MedGen C0751674, MONDO:0011705, OMIM 606690.
Tuberous sclerosis 2 (TSC2). Identifiers: Orphanet 805, MedGen C1860707, MONDO:0013199, OMIM 613254.
Isolated focal cortical dysplasia type II (FCORD2). Also called: Focal cortical dysplasia type II; CORTICAL DYSPLASIA OF TAYLOR. Identifiers: Orphanet 268994, MedGen C1846385, MONDO:0011818, OMIM 607341, HP:0032051.
Hereditary cancer-predisposing syndrome. Also called: Neoplastic Syndromes, Hereditary; Hereditary Cancer Syndrome; Tumor predisposition; Hereditary neoplastic syndrome. Identifiers: Orphanet 140162, MedGen C0027672, MeSH D009386, MONDO:0015356.

Allele frequency attached by ClinVar (database versions not stated): ExAC 0.00001; gnomAD exomes below 0.00001.
gnomAD v4.1: 5 of 1,604,974 alleles (0.00031%); highest among the groups gnomAD compares: Non-Finnish European, 0.00042%; no homozygotes.

Submissions (4):

Dasa
Classification: Uncertain significance for Tuberous sclerosis 2. Last evaluated: 2025-11-21. Review status: criteria provided, single submitter. Criteria: DASA Assertion Criteria. Collection method: clinical testing. Allele origin: germline.
Comment: NM_000548.5(TSC2):c.4369C>T (p.Arg1457Trp) is a missense variant that results in the substitution of arginine with tryptophan. This variant is rare in population databases. Computational prediction algorithms are consistent with a deleterious effect. The currently available literature and clinical evidence are not sufficient to establish a definitive association between this variant and the reported condition. Therefore, this variant is classified as a variant of uncertain significance.

Labcorp Genetics (formerly Invitae), Labcorp
Classification: Benign for Tuberous sclerosis 2. Last evaluated: 2025-08-04. Review status: criteria provided, single submitter. Criteria: Invitae Variant Classification Sherloc (09022015). Collection method: clinical testing. Allele origin: germline.

Ambry Genetics
Classification: Uncertain significance for Hereditary cancer-predisposing syndrome. Last evaluated: 2025-03-18. Review status: criteria provided, single submitter. Criteria: Ambry Variant Classification Scheme 2023. Collection method: clinical testing. Allele origin: germline.
Comment: The p.R1457W variant (also known as c.4369C>T), located in coding exon 33 of the TSC2 gene, results from a C to T substitution at nucleotide position 4369. The arginine at codon 1457 is replaced by tryptophan, an amino acid with dissimilar properties. This amino acid position is highly conserved in available vertebrate species. In addition, this alteration is predicted to be deleterious by in silico analysis. Based on the available evidence, the clinical significance of this variant remains unclear.

Fulgent Genetics
Classification: Uncertain significance for Lymphangiomyomatosis; Isolated focal cortical dysplasia type II; Tuberous sclerosis 2. Last evaluated: 2022-05-02. Review status: criteria provided, single submitter. Criteria: ACMG Guidelines, 2015. Collection method: clinical testing. Allele origin: unknown.

NM_000548.5(TSC2):c.4369C>T (p.Arg1457Trp)

Gene: TSC2 (TSC complex subunit 2; plus strand). Cytogenetic location: 16p13.3.
Variant type: single nucleotide variant.
Coding change: c.4369C>T on transcript NM_000548.5 (MANE Select); coding-DNA position 4369, C replaced by T.
Protein change: p.Arg1457Trp; replaces arginine 1457 with tryptophan.
Molecular consequence: missense variant.
Genome position (GRCh38, 1-based): chr16:2,084,591, C>T. VCF-style: chr16-2084591-C-T. GRCh37 (hg19) VCF-style: chr16-2134592-C-T.
Other names: c.4168C>T, p.Arg1390Trp (NM_001077183.3); c.4300C>T, p.Arg1434Trp (NM_001114382.3); c.4060C>T, p.Arg1354Trp (NM_001318827.2); c.4024C>T, p.Arg1342Trp (NM_001318829.2); c.3637C>T, p.Arg1213Trp (NM_001318831.2); c.4201C>T, p.Arg1401Trp (NM_001318832.2); c.4171C>T, p.Arg1391Trp (NM_001363528.2); c.4237C>T, p.Arg1413Trp (NM_001370404.1); and 1 more; short protein forms R1457W, R1213W, R1354W, R1390W, R1391W, R1401W, R1342W, R1413W.
Identifiers: ClinVar variation 535870 (VCV000535870.12), dbSNP rs746729857, ClinGen allele CA051001.